The following is an entry in ClinVar:

NM_153240.5(NPHP3):c.715_762del (p.Ser239_Arg254del)

Genes: NPHP3-ACAD11 (NPHP3-ACAD11 readthrough (NMD candidate); minus strand), NPHP3 (nephrocystin 3; minus strand). Cytogenetic location: 3q22.1.
Variant type: Deletion.
Coding change: c.715_762del on transcript NM_153240.5 (MANE Select); coding-DNA positions 715 to 762, 48 bases deleted.
Protein change: p.Ser239_Arg254del.
Molecular consequence: inframe deletion. On other transcripts: non-coding transcript variant (1).
Genome position (GRCh38, 1-based): chr3:132,716,818-132,716,865, 48 bases deleted; deleting any 48 consecutive bases within chr3:132,716,818-132,716,867 gives the same sequence; the c. name uses the placement nearest the transcript's 3' end. GRCh37 (hg19): chr3:132,435,664-132,435,711.
Identifiers: ClinVar variation 4747880 (VCV004747880.1).

ClinVar aggregate classification (germline): Uncertain significance (1 of 4 stars; one submission).

Conditions:
Nephronophthisis. Also called: Juvenile Nephronophthisis. Identifiers: Orphanet 655, MedGen C0687120, MONDO:0019005, HP:0000090.

Submission:

Labcorp Genetics (formerly Invitae), Labcorp
Classification: Uncertain significance for Nephronophthisis. Last evaluated: 2025-02-06. Review status: criteria provided, single submitter. Criteria: Invitae Variant Classification Sherloc (09022015). Collection method: clinical testing. Allele origin: germline.
Comment: This variant, c.715_762del, results in the deletion of 16 amino acid(s) of the NPHP3 protein (p.Ser239_Arg254del), but otherwise preserves the integrity of the reading frame. This variant is not present in population databases (gnomAD no frequency). This variant has not been reported in the literature in individuals affected with NPHP3-related conditions. Experimental studies and prediction algorithms are not available or were not evaluated, and the functional significance of this variant is currently unknown. In summary, the available evidence is currently insufficient to determine the role of this variant in disease. Therefore, it has been classified as a Variant of Uncertain Significance.